The following is an entry in ClinVar:

ClinVar aggregate classification (germline): Uncertain significance (1 of 4 stars; one submission).

Conditions:
Neurodegeneration with brain iron accumulation 5 (NBIA5). Also called: Beta-propeller protein-associated neurodegeneration; STATIC ENCEPHALOPATHY OF CHILDHOOD WITH NEURODEGENERATION IN ADULTHOOD. Identifiers: Orphanet 329284, MedGen C3550973, MONDO:0010476, OMIM 300894.

Submission:

Labcorp Genetics (formerly Invitae), Labcorp
Classification: Uncertain significance for Neurodegeneration with brain iron accumulation 5. Last evaluated: 2021-09-21. Review status: criteria provided, single submitter. Criteria: Invitae Variant Classification Sherloc (09022015). Collection method: clinical testing. Allele origin: germline.
Comment: This sequence change replaces phenylalanine with serine at codon 162 of the WDR45 protein (p.Phe162Ser). The phenylalanine residue is highly conserved and there is a large physicochemical difference between phenylalanine and serine. This variant is not present in population databases (ExAC no frequency). This variant has not been reported in the literature in individuals affected with WDR45-related conditions. This missense change has been observed in at least one individual who was not affected with WDR45-related conditions (Invitae). Algorithms developed to predict the effect of missense changes on protein structure and function (SIFT, PolyPhen-2, Align-GVGD) all suggest that this variant is likely to be disruptive. In summary, the available evidence is currently insufficient to determine the role of this variant in disease. Therefore, it has been classified as a Variant of Uncertain Significance.

NM_001029896.2(WDR45):c.482T>C (p.Phe161Ser)

Gene: WDR45 (WD repeat domain 45; minus strand). Cytogenetic location: Xp11.23.
Variant type: single nucleotide variant.
Coding change: c.482T>C on transcript NM_001029896.2 (MANE Select); coding-DNA position 482, T replaced by C.
Protein change: p.Phe161Ser; replaces phenylalanine 161 with serine.
Molecular consequence: missense variant.
Genome position (GRCh38, 1-based): chrX:49,075,900, A>G on the plus strand (T>C on the coding strand, the complement: WDR45 is on the minus strand). VCF-style: chrX-49075900-A-G. GRCh37 (hg19) VCF-style: chrX-48933559-A-G.
Other names: c.485T>C, p.Phe162Ser (NM_007075.4); short protein forms F161S, F162S.
Identifiers: ClinVar variation 1493646 (VCV001493646.6), dbSNP rs2147815698, ClinGen allele CA412945289.